The following is an entry in ClinVar:

ClinVar aggregate classification (germline): Uncertain significance. Review status: criteria provided, multiple submitters, no conflicts (2 of 4 stars). 2 submissions from 2 submitters: Uncertain significance (2). Last evaluated 2024-01-09.

Conditions:
Inborn genetic diseases. Identifiers: MedGen C0950123, MeSH D030342.

Allele frequency attached by ClinVar (database versions not stated): gnomAD 0.00001; TOPMed 0.00002.
gnomAD v4.1: 52 of 1,536,862 alleles (0.0034%); highest among the groups gnomAD compares: Non-Finnish European, 0.0043%; no homozygotes.

Submissions (2):

Ambry Genetics
Classification: Uncertain significance for Inborn genetic diseases. Last evaluated: 2024-01-09. Review status: criteria provided, single submitter. Criteria: Ambry Variant Classification Scheme 2023. Collection method: clinical testing. Allele origin: germline.

Labcorp Genetics (formerly Invitae), Labcorp
Classification: Uncertain significance. Last evaluated: 2022-11-17. Review status: criteria provided, single submitter. Criteria: Invitae Variant Classification Sherloc (09022015). Collection method: clinical testing. Allele origin: germline.
Comment: In summary, the available evidence is currently insufficient to determine the role of this variant in disease. Therefore, it has been classified as a Variant of Uncertain Significance. Algorithms developed to predict the effect of missense changes on protein structure and function (SIFT, PolyPhen-2, Align-GVGD) all suggest that this variant is likely to be disruptive. This variant has not been reported in the literature in individuals affected with HR-related conditions. This variant is present in population databases (rs765617795, gnomAD 0.006%). This sequence change replaces arginine, which is basic and polar, with glutamine, which is neutral and polar, at codon 1096 of the HR protein (p.Arg1096Gln).

NM_005144.5(HR):c.3287G>A (p.Arg1096Gln)

Gene: HR (HR lysine demethylase and nuclear receptor corepressor; minus strand). Cytogenetic location: 8p21.3.
Variant type: single nucleotide variant.
Coding change: c.3287G>A on transcript NM_005144.5 (MANE Select); coding-DNA position 3287, G replaced by A.
Protein change: p.Arg1096Gln; replaces arginine 1096 with glutamine.
Molecular consequence: missense variant. On other transcripts: intron variant (1).
Genome position (GRCh38, 1-based): chr8:22,116,966, C>T on the plus strand (G>A on the coding strand, the complement: HR is on the minus strand). VCF-style: chr8-22116966-C-T. GRCh37 (hg19) VCF-style: chr8-21974479-C-T.
Other names: c.3287G>A (NM_005144.4); c.3214-538G>A (NM_018411.4); short protein forms R1096Q.
Identifiers: ClinVar variation 2964030 (VCV002964030.4), dbSNP rs765617795, ClinGen allele CA4661818.